The following is an entry in ClinVar:

ClinVar aggregate classification (germline): Likely pathogenic. Review status: criteria provided, multiple submitters, no conflicts (2 of 4 stars). 3 submissions from 3 submitters: Likely pathogenic (3). Last evaluated 2024-04-04.

Conditions:
ALG1-congenital disorder of glycosylation. Also called: ALG1-CDG; CONGENITAL DISORDER OF GLYCOSYLATION, TYPE Ik; CDG Ik. Identifiers: Orphanet 79327, MedGen C2931005, MONDO:0012052, OMIM 608540.

Submissions (3):

Fulgent Genetics
Classification: Likely pathogenic for ALG1-congenital disorder of glycosylation. Last evaluated: 2024-04-04. Review status: criteria provided, single submitter. Criteria: ACMG Guidelines, 2015. Collection method: clinical testing. Allele origin: germline.

Women's Health and Genetics/Laboratory Corporation of America, LabCorp
Classification: Likely pathogenic for ALG1-congenital disorder of glycosylation. Last evaluated: 2024-04-02. Review status: criteria provided, single submitter. Criteria: LabCorp Variant Classification Summary - May 2015. Collection method: clinical testing. Allele origin: germline.
Comment: Variant summary: ALG1 c.630-2A>G is located in a canonical splice-site and is predicted to affect mRNA splicing resulting in a significantly altered protein due to either exon skipping, shortening, or inclusion of intronic material. Several computational tools predict a significant impact on normal splicing: Four predict the variant abolishes a canonical 3' acceptor site. However, these predictions have yet to be confirmed by functional studies. The variant was absent in 246890 control chromosomes (gnomAD). To our knowledge, no occurrence of c.630-2A>G in individuals affected with Congenital Disorder Of Glycosylation Type 1K and no experimental evidence demonstrating its impact on protein function have been reported. ClinVar contains an entry for this variant (Variation ID: 2846565). Based on the evidence outlined above, the variant was classified as likely pathogenic.

Labcorp Genetics (formerly Invitae), Labcorp
Classification: Likely pathogenic for ALG1-congenital disorder of glycosylation. Last evaluated: 2023-03-17. Review status: criteria provided, single submitter. Criteria: Invitae Variant Classification Sherloc (09022015). Collection method: clinical testing. Allele origin: germline.
Comment: In summary, the currently available evidence indicates that the variant is pathogenic, but additional data are needed to prove that conclusively. Therefore, this variant has been classified as Likely Pathogenic. Algorithms developed to predict the effect of sequence changes on RNA splicing suggest that this variant may disrupt the consensus splice site. This variant has not been reported in the literature in individuals affected with ALG1-related conditions. This variant is not present in population databases (gnomAD no frequency). This sequence change affects an acceptor splice site in intron 5 of the ALG1 gene. It is expected to disrupt RNA splicing. Variants that disrupt the donor or acceptor splice site typically lead to a loss of protein function (PMID: 16199547), and loss-of-function variants in ALG1 are known to be pathogenic (PMID: 20679665, 23806237).

Literature cited by the submitters: PubMed 16199547 (cited by Labcorp Genetics (formerly Invitae), Labcorp); PubMed 20679665 (cited by Labcorp Genetics (formerly Invitae), Labcorp); PubMed 23806237 (cited by Labcorp Genetics (formerly Invitae), Labcorp).

NM_019109.5(ALG1):c.630-2A>G

Gene: ALG1 (ALG1 chitobiosyldiphosphodolichol beta-mannosyltransferase; plus strand). Cytogenetic location: 16p13.3.
Variant type: single nucleotide variant.
Coding change: c.630-2A>G on transcript NM_019109.5 (MANE Select); the canonical splice acceptor site of the intron before coding-DNA position 630, A replaced by G.
Molecular consequence: splice acceptor variant.
Genome position (GRCh38, 1-based): chr16:5,077,905, A>G. VCF-style: chr16-5077905-A-G. GRCh37 (hg19) VCF-style: chr16-5127906-A-G.
Other names: c.297-2A>G (NM_001330504.2).
Identifiers: ClinVar variation 2846565 (VCV002846565.5), dbSNP rs2505859888, ClinGen allele CA394681422.